The following is an entry in ClinVar:

ClinVar aggregate classification (germline): Uncertain significance. Review status: criteria provided, multiple submitters, no conflicts (2 of 4 stars). 4 submissions from 4 submitters: Uncertain significance (4). Last evaluated 2025-11-11.

Conditions:
Ataxia-telangiectasia-like disorder 1 (ATLD1). Identifiers: Orphanet 251347, MedGen C4012790, MONDO:0024557, OMIM 604391.
Hereditary cancer-predisposing syndrome. Also called: Neoplastic Syndromes, Hereditary; Tumor predisposition; Hereditary Cancer Syndrome; Hereditary neoplastic syndrome. Identifiers: Orphanet 140162, MedGen C0027672, MeSH D009386, MONDO:0015356.
Ataxia-telangiectasia-like disorder (ATLD). Identifiers: MedGen C1858391, MONDO:0011457.

Allele frequency attached by ClinVar (database versions not stated): TOPMed 0.00001; ESP Exome Variant Server 0.00008.
gnomAD v4.1: 6 of 1,613,030 alleles (0.00037%); highest among the groups gnomAD compares: Non-Finnish European, 0.00051%; no homozygotes.

Submissions (4):

Ambry Genetics
Classification: Uncertain significance for Hereditary cancer-predisposing syndrome. Last evaluated: 2025-11-11. Review status: criteria provided, single submitter. Criteria: Ambry Variant Classification Scheme 2023. Collection method: clinical testing. Allele origin: germline.
Comment: The p.T329N variant (also known as c.986C>A), located in coding exon 8 of the MRE11A gene, results from a C to A substitution at nucleotide position 986. The threonine at codon 329 is replaced by asparagine, an amino acid with similar properties. This amino acid position is well conserved in available vertebrate species. In addition, this alteration is predicted to be tolerated by in silico analysis. Since supporting evidence is limited at this time, the clinical significance of this alteration remains unclear.

Baylor Genetics
Classification: Uncertain significance for Ataxia-telangiectasia-like disorder 1. Last evaluated: 2023-08-05. Review status: criteria provided, single submitter. Criteria: ACMG Guidelines, 2015. Collection method: clinical testing. Allele origin: unknown.

Sema4
Classification: Uncertain significance for Hereditary cancer-predisposing syndrome. Last evaluated: 2022-03-19. Review status: criteria provided, single submitter. Criteria: Sema4 Curation Guidelines. Collection method: curation. Allele origin: germline.
Comment: The MRE11 c.986C>A (p.T329N) variant has been reported in a large case-control study in 1/60466 breast cancer cases and 1/53461 controls (PMID: 33471991). It was observed in 1/113534 chromosomes of the European (non-Finnish) subpopulation, in the large and broad cohorts of the Genome Aggregation Database (PMID: 32461654). This variant has been reported in ClinVar (Variation ID 234072). Functional studies have not been performed, and in silico predictions of the variant's effect on protein function are inconclusive. The evidence is insufficient to meet ACMG/AMP criteria for classifying the variant as benign or pathogenic. Thus, the clinical significance of this variant is currently uncertain.

Labcorp Genetics (formerly Invitae), Labcorp
Classification: Uncertain significance for Ataxia-telangiectasia-like disorder. Last evaluated: 2022-03-08. Review status: criteria provided, single submitter. Criteria: Invitae Variant Classification Sherloc (09022015). Collection method: clinical testing. Allele origin: germline.
Comment: This sequence change replaces threonine, which is neutral and polar, with asparagine, which is neutral and polar, at codon 329 of the MRE11 protein (p.Thr329Asn). This variant is present in population databases (rs370645480, gnomAD 0.0009%). This variant has not been reported in the literature in individuals affected with MRE11-related conditions. ClinVar contains an entry for this variant (Variation ID: 234072). Algorithms developed to predict the effect of missense changes on protein structure and function are either unavailable or do not agree on the potential impact of this missense change (SIFT: "Deleterious"; PolyPhen-2: "Benign"; Align-GVGD: "Class C0"). In summary, the available evidence is currently insufficient to determine the role of this variant in disease. Therefore, it has been classified as a Variant of Uncertain Significance.

Literature cited by the submitters: PubMed 33471991 (cited by Sema4).

NM_005591.4(MRE11):c.986C>A (p.Thr329Asn)

Gene: MRE11 (MRE11 double strand break repair nuclease; minus strand). Cytogenetic location: 11q21.
Variant type: single nucleotide variant.
Coding change: c.986C>A on transcript NM_005591.4 (MANE Select); coding-DNA position 986, C replaced by A.
Protein change: p.Thr329Asn; replaces threonine 329 with asparagine.
Molecular consequence: missense variant.
Genome position (GRCh38, 1-based): chr11:94,470,502, G>T on the plus strand (C>A on the coding strand, the complement: MRE11 is on the minus strand). VCF-style: chr11-94470502-G-T. GRCh37 (hg19) VCF-style: chr11-94203668-G-T.
Other names: c.986C>A, p.Thr329Asn (NM_001330347.2, NM_005590.4); short protein forms T329N.
Identifiers: ClinVar variation 234072 (VCV000234072.16), dbSNP rs370645480, ClinGen allele CA6235250.